The following is an entry in ClinVar:

ClinVar aggregate classification (germline): Uncertain significance (1 of 4 stars; one submission).

Conditions:
Short QT syndrome type 3. Identifiers: Orphanet 51083, MedGen C1865018, MONDO:0012314, OMIM 609622.
Andersen Tawil syndrome (LQT7). Also called: Potassium-sensitive periodic paralysis, ventricular ectopy, and dysmorphic features; ANDERSEN CARDIODYSRHYTHMIC PERIODIC PARALYSIS; LONG QT SYNDROME 7; PERIODIC PARALYSIS, POTASSIUM-SENSITIVE CARDIODYSRHYTHMIC TYPE; Andersen Syndrome. Identifiers: Orphanet 37553, MedGen C1563715, MONDO:0008222, OMIM 170390.

Submission:

Labcorp Genetics (formerly Invitae), Labcorp
Classification: Uncertain significance for Short QT syndrome type 3; Andersen Tawil syndrome. Last evaluated: 2025-11-18. Review status: criteria provided, single submitter. Criteria: Invitae Variant Classification Sherloc (09022015). Collection method: clinical testing. Allele origin: germline.
Comment: This sequence change replaces glutamic acid, which is acidic and polar, with aspartic acid, which is acidic and polar, at codon 138 of the KCNJ2 protein (p.Glu138Asp). This variant is not present in population databases (gnomAD no frequency). This variant has not been reported in the literature in individuals affected with KCNJ2-related conditions. Invitae Evidence Modeling of protein sequence and biophysical properties (such as structural, functional, and spatial information, amino acid conservation, physicochemical variation, residue mobility, and thermodynamic stability) indicates that this missense variant is expected to disrupt KCNJ2 protein function with a positive predictive value of 95%. This variant disrupts the p.Glu138 amino acid residue in KCNJ2. Other variant(s) that disrupt this residue have been observed in individuals with KCNJ2-related conditions (PMID: 24861851, 35174115), which suggests that this may be a clinically significant amino acid residue. In summary, the available evidence is currently insufficient to determine the role of this variant in disease. Therefore, it has been classified as a Variant of Uncertain Significance.

Literature cited by the submitters: PubMed 24861851; PubMed 35174115.

NM_000891.3(KCNJ2):c.414G>T (p.Glu138Asp)

Gene: KCNJ2 (potassium inwardly rectifying channel subfamily J member 2; plus strand). Cytogenetic location: 17q24.3.
Variant type: single nucleotide variant.
Coding change: c.414G>T on transcript NM_000891.3 (MANE Select); coding-DNA position 414, G replaced by T.
Protein change: p.Glu138Asp; replaces glutamic acid 138 with aspartic acid.
Molecular consequence: missense variant.
Genome position (GRCh38, 1-based): chr17:70,175,453, G>T. VCF-style: chr17-70175453-G-T. GRCh37 (hg19) VCF-style: chr17-68171594-G-T.
Other names: short protein forms E138D.
Identifiers: ClinVar variation 4783742 (VCV004783742.1).